The following is an entry in ClinVar:

NM_000465.4(BARD1):c.1902A>G (p.Glu634=)

Gene: BARD1 (BRCA1 associated RING domain 1; minus strand). Cytogenetic location: 2q35.
Variant type: single nucleotide variant.
Coding change: c.1902A>G on transcript NM_000465.4 (MANE Select); coding-DNA position 1902, A replaced by G.
Protein change: p.Glu634=; no amino-acid change (glutamic acid 634 retained).
Molecular consequence: synonymous variant. On other transcripts: intron variant (1), non-coding transcript variant (3).
Genome position (GRCh38, 1-based): chr2:214,745,068, T>C on the plus strand (A>G on the coding strand, the complement: BARD1 is on the minus strand). VCF-style: chr2-214745068-T-C. GRCh37 (hg19) VCF-style: chr2-215609792-T-C.
Other names: c.365-14560A>G (NM_001282549.2); c.1845A>G, p.Glu615= (NM_001282543.2); c.549A>G, p.Glu183= (NM_001282545.2); c.492A>G, p.Glu164= (NM_001282548.2).
Identifiers: ClinVar variation 820305 (VCV000820305.15), dbSNP rs1559385976, ClinGen allele CA431144730.

ClinVar aggregate classification (germline): Uncertain significance. Review status: criteria provided, multiple submitters, no conflicts (2 of 4 stars). 2 submissions from 2 submitters: Uncertain significance (2). Last evaluated 2022-12-09.

Conditions:
Hereditary cancer-predisposing syndrome. Also called: Neoplastic Syndromes, Hereditary; Tumor predisposition; Hereditary Cancer Syndrome; Hereditary neoplastic syndrome. Identifiers: Orphanet 140162, MedGen C0027672, MeSH D009386, MONDO:0015356.
Familial cancer of breast. Also called: BREAST CANCER, FAMILIAL; Hereditary breast cancer; hereditary breast carcinoma. Identifiers: Orphanet 227535, MedGen C0346153, MONDO:0016419, OMIM 114480. Disease mechanism: loss of function.

Allele frequency attached by ClinVar (database versions not stated): gnomAD exomes below 0.00001.
gnomAD v4.1: 2 of 1,613,098 alleles (0.00012%); no homozygotes.

Submissions (2):

Ambry Genetics
Classification: Uncertain significance for Hereditary cancer-predisposing syndrome. Last evaluated: 2022-12-09. Review status: criteria provided, single submitter. Criteria: Ambry Variant Classification Scheme 2023. Collection method: clinical testing. Allele origin: germline.
Comment: The c.1902A>G variant (also known as p.E634E), located in coding exon 9, results from an A to G substitution at nucleotide position 1902 of the BARD1 gene. This nucleotide substitution does not change the amino acid at codon 634. However, this change occurs in the next to last base pair of coding exon 9, which may affect normal mRNA splicing. This nucleotide position is not well conserved in available vertebrate species. In silico splice site analysis predicts that this alteration will not have any significant effect on splicing; however, direct evidence is insufficient at this time (Ambry internal data). Since supporting evidence is limited at this time, the clinical significance of this alteration remains unclear.

Labcorp Genetics (formerly Invitae), Labcorp
Classification: Uncertain significance for Familial cancer of breast. Last evaluated: 2020-04-02. Review status: criteria provided, single submitter. Criteria: Invitae Variant Classification Sherloc (09022015). Collection method: clinical testing. Allele origin: germline.
Comment: In summary, the available evidence is currently insufficient to determine the role of this variant in disease. Therefore, it has been classified as a Variant of Uncertain Significance. Algorithms developed to predict the effect of sequence changes on RNA splicing suggest that this variant is not likely to affect RNA splicing, but this prediction has not been confirmed by published transcriptional studies. This variant has not been reported in the literature in individuals with BARD1-related conditions. This variant is not present in population databases (ExAC no frequency). This sequence change affects codon 634 of the BARD1 mRNA. It is a 'silent' change, meaning that it does not change the encoded amino acid sequence of the BARD1 protein.